The following is an entry in ClinVar:

ClinVar aggregate classification (germline): Benign/Likely benign. Review status: criteria provided, multiple submitters, no conflicts (2 of 4 stars). 14 submissions from 14 submitters: Benign (9); Likely benign (1). 4 of the submissions do not count toward it. Last evaluated 2026-02-04.

Conditions:
Inborn genetic diseases. Identifiers: MedGen C0950123, MeSH D030342.
Hereditary spastic paraplegia. Also called: Familial spastic paraparesis. Identifiers: Orphanet 685, MedGen C0037773, MONDO:0019064. Disease mechanism: loss of function.
Progressive sclerosing poliodystrophy (MTDPS4A). Also called: ALPERS DIFFUSE DEGENERATION OF CEREBRAL GRAY MATTER WITH HEPATIC CIRRHOSIS; Alpers-Huttenlocher Syndrome; NEURONAL DEGENERATION OF CHILDHOOD WITH LIVER DISEASE, PROGRESSIVE; ALPERS PROGRESSIVE INFANTILE POLIODYSTROPHY; Mitochondrial DNA depletion syndrome 4A (Alpers type); Alpers Syndrome. Identifiers: Orphanet 726, MedGen C0205710, MONDO:0008758, OMIM 203700.

Allele frequency attached by ClinVar (database versions not stated): gnomAD exomes 0.00315 and 0.00802; ExAC 0.00950; gnomAD 0.02782 and 0.02985; 1000 Genomes Project 0.02975; TOPMed 0.03187; 1000 Genomes Project 30x 0.03295; ESP Exome Variant Server 0.03354.
gnomAD v4.1: 9,091 of 1,613,524 alleles (0.56%); highest among the groups gnomAD compares: African/African-American, 9.2%; 357 homozygotes.

Submissions (14):

Labcorp Genetics (formerly Invitae), Labcorp
Classification: Benign for Progressive sclerosing poliodystrophy. Last evaluated: 2026-02-04. Review status: criteria provided, single submitter. Criteria: Invitae Variant Classification Sherloc (09022015). Collection method: clinical testing. Allele origin: germline.

Athena Diagnostics
Classification: Benign. Last evaluated: 2025-09-08. Review status: criteria provided, single submitter. Criteria: Athena Diagnostics Criteria. Collection method: clinical testing. Allele origin: unknown.
Comment: The frequency of this variant in the general population is higher than would generally be expected for pathogenic variants in this gene.

Blueprint Genetics
Classification: Benign. Last evaluated: 2024-11-25. Review status: criteria provided, single submitter. Criteria: ACMG Guidelines, 2015. Collection method: clinical testing. Allele origin: germline.

ARUP Laboratories, Molecular Genetics and Genomics, ARUP Laboratories
Classification: Benign. Last evaluated: 2023-11-28. Review status: criteria provided, single submitter. Criteria: ARUP Molecular Germline Variant Investigation Process 2024. Collection method: clinical testing. Allele origin: germline.

Genome Diagnostics Laboratory, The Hospital for Sick Children
Classification: Benign for Hereditary spastic paraplegia. Last evaluated: 2021-09-01. Review status: criteria provided, single submitter. Criteria: ACMG Guidelines, 2015. Collection method: clinical testing. Allele origin: germline. Affected: yes.

Wong Mito Lab, Molecular and Human Genetics, Baylor College of Medicine
Classification: Benign for Progressive sclerosing poliodystrophy. Last evaluated: 2018-10-01. Review status: criteria provided, single submitter. Criteria: ACMG Guidelines, 2015. Collection method: clinical testing. Allele origin: germline.
Comment: The NM_002693.2:c.2958C>T (NP_002684.1:p.Tyr986=) [GRCH38: NC_000015.10:g.89320789G>A] variant in POLG gene is interpretated to be a Benign based on ACMG guidelines (PMID: 25741868). This variant meets the following evidence codes reported in the ACMG-guideline. BS1:The minor allele frequency of this allele is high for Mitochondrial DNA depletion syndrome 4A (Alpers type). BS2:Observation of the variant in controls is inconsistent with penetrance of Mitochondrial DNA depletion syndrome 4A (Alpers type). BP7:The variant is silent with non predicted splice impact. Based on the evidence criteria codes applied, the variant is suggested to be Benign.

Ambry Genetics
Classification: Benign for Inborn genetic diseases. Last evaluated: 2016-01-08. Review status: criteria provided, single submitter. Criteria: Ambry Variant Classification Scheme 2023. Collection method: clinical testing. Allele origin: germline.

GeneDx
Classification: Benign. Last evaluated: 2011-12-14. Review status: criteria provided, single submitter. Criteria: GeneDx Variant Classification (06012015). Collection method: clinical testing. Allele origin: germline. Affected: yes.
Comment: This variant is considered likely benign or benign based on one or more of the following criteria: it is a conservative change, it occurs at a poorly conserved position in the protein, it is predicted to be benign by multiple in silico algorithms, and/or has population frequency not consistent with disease.

Breakthrough Genomics
Classification: Likely benign. Review status: criteria provided, single submitter. Criteria: ACMG Guidelines, 2015. Collection method: not provided. Allele origin: germline. Inheritance: Autosomal recessive inheritance. Affected: yes.

PreventionGenetics, part of Exact Sciences
Classification: Benign. Review status: criteria provided, single submitter. Criteria: ACMG Guidelines, 2015. Collection method: clinical testing. Allele origin: germline.

Mayo Clinic Laboratories, Mayo Clinic
Classification: Benign. Last evaluated: 2016-03-16. Review status: no assertion criteria provided. Collection method: clinical testing. Allele origin: unknown. Not counted in ClinVar's aggregate classification.

Clinical Genetics DNA and cytogenetics Diagnostics Lab, Erasmus MC, Erasmus Medical Center
Classification: Benign. Review status: no assertion criteria provided. Collection method: clinical testing. Allele origin: germline. Affected: yes. Study: VKGL Data-share Consensus. Not counted in ClinVar's aggregate classification.

Genetic Services Laboratory, University of Chicago
Classification: Likely benign for AllHighlyPenetrant. Review status: no assertion criteria provided. Collection method: clinical testing. Allele origin: germline. Inheritance: Autosomal recessive inheritance. Not counted in ClinVar's aggregate classification.
Comment: Likely benign based on allele frequency in 1000 Genomes Project or ESP global frequency and its presence in a patient with a rare or unrelated disease phenotype. NOT Sanger confirmed.

Joint Genome Diagnostic Labs from Nijmegen and Maastricht, Radboudumc and MUMC+
Classification: Benign. Review status: no assertion criteria provided. Collection method: clinical testing. Allele origin: germline. Affected: yes. Study: VKGL Data-share Consensus. Not counted in ClinVar's aggregate classification.

NM_002693.3(POLG):c.2958C>T (p.Tyr986=)

Gene: POLG (DNA polymerase gamma, catalytic subunit; minus strand). Cytogenetic location: 15q26.1.
Variant type: single nucleotide variant.
Coding change: c.2958C>T on transcript NM_002693.3 (MANE Select); coding-DNA position 2958, C replaced by T.
Protein change: p.Tyr986=; no amino-acid change (tyrosine 986 retained).
Molecular consequence: synonymous variant.
Genome position (GRCh38, 1-based): chr15:89,320,789, G>A on the plus strand (C>T on the coding strand, the complement: POLG is on the minus strand). VCF-style: chr15-89320789-G-A. GRCh37 (hg19) VCF-style: chr15-89864020-G-A.
Other names: p.Y986Y:TAC>TAT; c.2958C>T, p.Tyr986= (NM_001126131.2).
Identifiers: ClinVar variation 129993 (VCV000129993.42), dbSNP rs2307431, ClinGen allele CA288986.